The following is an entry in ClinVar:

NM_000548.5(TSC2):c.3335T>A (p.Leu1112Gln)

Gene: TSC2 (TSC complex subunit 2; plus strand). Cytogenetic location: 16p13.3.
Variant type: single nucleotide variant.
Coding change: c.3335T>A on transcript NM_000548.5 (MANE Select); coding-DNA position 3335, T replaced by A.
Protein change: p.Leu1112Gln; replaces leucine 1112 with glutamine.
Molecular consequence: missense variant. On other transcripts: non-coding transcript variant (5).
Genome position (GRCh38, 1-based): chr16:2,079,607, T>A. VCF-style: chr16-2079607-T-A. GRCh37 (hg19) VCF-style: chr16-2129608-T-A.
Other names: c.3203T>A, p.Leu1068Gln (NM_001077183.3, NM_001370404.1, NM_001406665.1); c.3335T>A, p.Leu1112Gln (NM_001114382.3); c.3095T>A, p.Leu1032Gln (NM_001318827.2); c.3059T>A, p.Leu1020Gln (NM_001318829.2); c.2603T>A, p.Leu868Gln (NM_001318831.2, NM_001406687.1, NM_001406688.1); c.3236T>A, p.Leu1079Gln (NM_001318832.2); c.3206T>A, p.Leu1069Gln (NM_001363528.2, NM_001370405.1, NM_021055.3); c.3332T>A, p.Leu1111Gln (NM_001406663.1, NM_001406664.1); and 18 more; short protein forms L1019Q, L1032Q, L1062Q, L1065Q, L1079Q, L1112Q, L534Q, L621Q.
Identifiers: ClinVar variation 4556978 (VCV004556978.1).

ClinVar aggregate classification (germline): Uncertain significance (1 of 4 stars; one submission).

Conditions:
Hereditary cancer-predisposing syndrome. Also called: Tumor predisposition; Hereditary Cancer Syndrome; Hereditary neoplastic syndrome; Neoplastic Syndromes, Hereditary. Identifiers: Orphanet 140162, MedGen C0027672, MeSH D009386, MONDO:0015356.

Submission:

Ambry Genetics
Classification: Uncertain significance for Hereditary cancer-predisposing syndrome. Last evaluated: 2025-10-13. Review status: criteria provided, single submitter. Criteria: Ambry Variant Classification Scheme 2023. Collection method: clinical testing. Allele origin: germline.
Comment: The p.L1112Q variant (also known as c.3335T>A), located in coding exon 28 of the TSC2 gene, results from a T to A substitution at nucleotide position 3335. The leucine at codon 1112 is replaced by glutamine, an amino acid with dissimilar properties. This amino acid position is conserved. In addition, this alteration is predicted to be deleterious by in silico analysis. Based on the available evidence, the clinical significance of this variant remains unclear.